The following is an entry in ClinVar:

ClinVar aggregate classification (germline): Uncertain significance (1 of 4 stars; one submission).

Submission:

Labcorp Genetics (formerly Invitae), Labcorp
Classification: Uncertain significance. Last evaluated: 2025-01-16. Review status: criteria provided, single submitter. Criteria: Invitae Variant Classification Sherloc (09022015). Collection method: clinical testing. Allele origin: germline.
Comment: This variant, c.246_257dup, results in the insertion of 4 amino acid(s) of the ARIH1 protein (p.Gly87_Gly90dup), but otherwise preserves the integrity of the reading frame. This variant is not present in population databases (gnomAD no frequency). This variant has not been reported in the literature in individuals affected with ARIH1-related conditions. Experimental studies and prediction algorithms are not available or were not evaluated, and the functional significance of this variant is currently unknown. In summary, the available evidence is currently insufficient to determine the role of this variant in disease. Therefore, it has been classified as a Variant of Uncertain Significance.

NM_005744.5(ARIH1):c.237CGG[11] (p.Gly87_Gly90dup)

Gene: ARIH1 (ariadne RBR E3 ubiquitin protein ligase 1; plus strand). Cytogenetic location: 15q24.1.
Variant type: Microsatellite.
Coding change: c.237CGG[11] on transcript NM_005744.5 (MANE Select); 11 copies in a row of the 3-base unit CGG starting at c.237; the reference has seven copies in a row; four copies, 12 bases duplicated.
Protein change: p.Gly87_Gly90dup.
Molecular consequence: inframe insertion.
Genome position (GRCh38, 1-based): chr15:72,474,885-72,474,896, CGGCGGCGGCGG duplicated; duplicating any 12 consecutive bases within chr15:72,474,874-72,474,896 gives the same sequence; the position shown is the placement nearest the transcript's 3' end. VCF-style (leftmost placement, unchanged base first): chr15-72474873-T-TGGCGGCGGCGGC. GRCh37 (hg19) VCF-style: chr15-72767214-T-TGGCGGCGGCGGC.
Identifiers: ClinVar variation 1494119 (VCV001494119.8), dbSNP rs375614248, ClinGen allele CA715483934.